The following is an entry in ClinVar:

ClinVar aggregate classification (germline): Uncertain significance (1 of 4 stars; one submission).

Conditions:
Intellectual developmental disorder with seizures and language delay (IDDSELD). Identifiers: MedGen C5436574, MONDO:0033559, OMIM 619000.

Submission:

Illumina Laboratory Services, Illumina
Classification: Uncertain significance for Intellectual developmental disorder with seizures and language delay. Last evaluated: 2022-02-25. Review status: criteria provided, single submitter. Criteria: ICSLVariantClassificationCriteria RUGD 01 April 2020. Collection method: clinical testing. Allele origin: unknown.
Comment: The SETD1B c.4559G>A p.(Ser1520Asn) missense variant has not, to our knowledge, been reported in the peer-reviewed literature. This variant is not observed in version 2.1.1 or version 3.1.2 of the Genome Aggregation Database. This variant has been shown to segregate with disease in this family. Based on the available evidence, the c.4559G>A p.(Ser1520Asn) variant is classified as a variant of uncertain significance for intellectual developmental disorder with seizures and language delay.

NM_001353345.2(SETD1B):c.4688G>A (p.Ser1563Asn)

Gene: SETD1B (SET domain containing 1B, histone lysine methyltransferase; plus strand). Cytogenetic location: 12q24.31.
Variant type: single nucleotide variant.
Coding change: c.4688G>A on transcript NM_001353345.2 (MANE Select); coding-DNA position 4688, G replaced by A.
Protein change: p.Ser1563Asn; replaces serine 1563 with asparagine.
Molecular consequence: missense variant.
Genome position (GRCh38, 1-based): chr12:121,823,267, G>A. VCF-style: chr12-121823267-G-A. GRCh37 (hg19) VCF-style: chr12-122261173-G-A.
Other names: short protein forms S1563N.
Identifiers: ClinVar variation 1693309 (VCV001693309.4), dbSNP rs2137579789, ClinGen allele CA386999507.